The following is an entry in ClinVar:

NM_172364.5(CACNA2D4):c.2901G>C (p.Trp967Cys)

Gene: CACNA2D4 (calcium voltage-gated channel auxiliary subunit alpha2delta 4; minus strand). Cytogenetic location: 12p13.33.
Variant type: single nucleotide variant.
Coding change: c.2901G>C on transcript NM_172364.5 (MANE Select); coding-DNA position 2901, G replaced by C.
Protein change: p.Trp967Cys; replaces tryptophan 967 with cysteine.
Molecular consequence: missense variant.
Genome position (GRCh38, 1-based): chr12:1,800,406, C>G on the plus strand (G>C on the coding strand, the complement: CACNA2D4 is on the minus strand). VCF-style: chr12-1800406-C-G. GRCh37 (hg19) VCF-style: chr12-1909572-C-G.
Other names: short protein forms W967C.
Identifiers: ClinVar variation 2011844 (VCV002011844.4), dbSNP rs1310057427, ClinGen allele CA383348916.

ClinVar aggregate classification (germline): Uncertain significance (1 of 4 stars; one submission).

Allele frequency attached by ClinVar (database versions not stated): gnomAD exomes below 0.00001; TOPMed below 0.00001; gnomAD 0.00001.
gnomAD v4.1: 2 of 1,613,852 alleles (0.00012%); highest among the groups gnomAD compares: Admixed American, 0.0017%; no homozygotes.

Submission:

Labcorp Genetics (formerly Invitae), Labcorp
Classification: Uncertain significance. Last evaluated: 2022-07-30. Review status: criteria provided, single submitter. Criteria: Invitae Variant Classification Sherloc (09022015). Collection method: clinical testing. Allele origin: germline.
Comment: Algorithms developed to predict the effect of missense changes on protein structure and function are either unavailable or do not agree on the potential impact of this missense change (SIFT: "Deleterious"; PolyPhen-2: "Probably Damaging"; Align-GVGD: "Class C0"). This variant has not been reported in the literature in individuals affected with CACNA2D4-related conditions. This variant is not present in population databases (gnomAD no frequency). This sequence change replaces tryptophan, which is neutral and slightly polar, with cysteine, which is neutral and slightly polar, at codon 967 of the CACNA2D4 protein (p.Trp967Cys). In summary, the available evidence is currently insufficient to determine the role of this variant in disease. Therefore, it has been classified as a Variant of Uncertain Significance.